The following is an entry in ClinVar:

ClinVar aggregate classification (germline): Likely benign (1 of 4 stars; one submission).

gnomAD v4.1: 2 of 1,613,976 alleles (0.00012%); highest among the groups gnomAD compares: South Asian, 0.0011%; no homozygotes.

Submission:

CeGaT Center for Human Genetics Tuebingen
Classification: Likely benign. Last evaluated: 2025-01-01. Review status: criteria provided, single submitter. Criteria: CeGaT Center For Human Genetics Tuebingen Variant Classification Criteria Version 2. Collection method: clinical testing. Allele origin: germline. Affected: yes. Observed: 1 variant allele.
Comment: DCHS1: BP4, BP7

NM_003737.4(DCHS1):c.3757T>C (p.Leu1253=)

Gene: DCHS1 (dachsous cadherin-related 1; minus strand). Cytogenetic location: 11p15.4.
Variant type: single nucleotide variant.
Coding change: c.3757T>C on transcript NM_003737.4 (MANE Select); coding-DNA position 3757, T replaced by C.
Protein change: p.Leu1253=; no amino-acid change (leucine 1253 retained).
Molecular consequence: synonymous variant.
Genome position (GRCh38, 1-based): chr11:6,631,326, A>G on the plus strand (T>C on the coding strand, the complement: DCHS1 is on the minus strand). VCF-style: chr11-6631326-A-G. GRCh37 (hg19) VCF-style: chr11-6652557-A-G.
Identifiers: ClinVar variation 3771350 (VCV003771350.13).